The following is an entry in ClinVar:

NM_002834.5(PTPN11):c.443T>C (p.Val148Ala)

Gene: PTPN11 (protein tyrosine phosphatase non-receptor type 11; plus strand). Cytogenetic location: 12q24.13.
Variant type: single nucleotide variant.
Coding change: c.443T>C on transcript NM_002834.5 (MANE Select); coding-DNA position 443, T replaced by C.
Protein change: p.Val148Ala; replaces valine 148 with alanine.
Molecular consequence: missense variant.
Genome position (GRCh38, 1-based): chr12:112,453,305, T>C. VCF-style: chr12-112453305-T-C. GRCh37 (hg19) VCF-style: chr12-112891109-T-C.
Other names: c.443T>C, p.Val148Ala (NM_001330437.2, NM_080601.3); c.440T>C, p.Val147Ala (NM_001374625.1); short protein forms V147A, V148A.
Identifiers: ClinVar variation 2497921 (VCV002497921.3), dbSNP rs2135867096, ClinGen allele CA386781392.
Genomic context (GRCh38, chr12:112,453,305, plus strand): 5'-AAAAAGGAAAACATGGTAGTTTTCTTGTACGAGAGAGCCAGAGCCACCCTGGAGATTTTG[T>C]TCTTTCTGTGCGCACTGGTGATGACAAAGGGGAGAGCAATGACGGCAAGTCTAAAGTGAC-3'
Protein context (NP_002825.3, residues 138-158): RESQSHPGDF[Val148Ala]LSVRTGDDKG

ClinVar aggregate classification (germline): Uncertain significance. Review status: criteria provided, multiple submitters, no conflicts (2 of 4 stars). 2 submissions from 2 submitters: Uncertain significance (2). Last evaluated 2026-01-09.

Conditions:
Cardiovascular phenotype. Identifiers: MedGen CN230736.

Allele frequency attached by ClinVar (database versions not stated): gnomAD exomes below 0.00001.
gnomAD v4.1: 1 of 1,614,104 alleles (0.000062%); highest among the groups gnomAD compares: Non-Finnish European, 0.000085%; no homozygotes.

Submissions (2):

GeneDx
Classification: Uncertain significance. Last evaluated: 2026-01-09. Review status: criteria provided, single submitter. Criteria: GeneDx Variant Classification Process June 2021. Collection method: clinical testing. Allele origin: germline.
Comment: Not observed at significant frequency in large population cohorts (gnomAD); In silico analysis supports that this missense variant has a deleterious effect on protein structure/function; Missense variants in this gene are a common cause of disease and they are underrepresented in the general population; Has not been previously published as pathogenic or benign to our knowledge; This variant is associated with the following publications: (PMID: 29493581)

Ambry Genetics
Classification: Uncertain significance for Cardiovascular phenotype. Last evaluated: 2025-11-14. Review status: criteria provided, single submitter. Criteria: Ambry Variant Classification Scheme 2023. Collection method: clinical testing. Allele origin: germline.
Comment: The p.V148A variant (also known as c.443T>C), located in coding exon 4 of the PTPN11 gene, results from a T to C substitution at nucleotide position 443. The valine at codon 148 is replaced by alanine, an amino acid with similar properties. This amino acid position is highly conserved in available vertebrate species. In addition, this alteration is predicted to be deleterious by in silico analysis. Based on the available evidence, the clinical significance of this variant remains unclear.